The following is an entry in ClinVar:

NM_006846.4(SPINK5):c.209+3G>A

Gene: SPINK5 (serine peptidase inhibitor Kazal type 5; plus strand). Cytogenetic location: 5q32.
Variant type: single nucleotide variant.
Coding change: c.209+3G>A on transcript NM_006846.4 (MANE Select); 3 bases into the intron after coding-DNA position 209, G replaced by A.
Molecular consequence: intron variant.
Genome position (GRCh38, 1-based): chr5:148,070,453, G>A. VCF-style: chr5-148070453-G-A. GRCh37 (hg19) VCF-style: chr5-147450016-G-A.
Other names: c.209+3G>A (NM_001127698.2, NM_001127699.2).
Identifiers: ClinVar variation 965166 (VCV000965166.5), dbSNP rs750310449, ClinGen allele CA3495129.
Genomic context (GRCh38, chr5:148,070,453, plus strand): 5'-TTCAAAGTCTTGATGGAATAATGTTCATCAATAAATGTGCCACGTGCAAAATGATACTGT[G>A]AGTAAAGGTTTCTTTCTTTCTTTCCAATGTTTGAGTTAACAGCTAGTCTCTGAACTGGTA-3'

ClinVar aggregate classification (germline): Uncertain significance (1 of 4 stars; one submission).

Conditions:
Ichthyosis linearis circumflexa. Identifiers: MedGen C0265962, MONDO:0043106, HP:0025810.

Allele frequency attached by ClinVar (database versions not stated): TOPMed below 0.00001; ExAC 0.00001; gnomAD exomes 0.00002.
gnomAD v4.1: 38 of 1,612,174 alleles (0.0024%); highest among the groups gnomAD compares: Non-Finnish European, 0.0031%; no homozygotes.

Submission:

Labcorp Genetics (formerly Invitae), Labcorp
Classification: Uncertain significance for Ichthyosis linearis circumflexa. Last evaluated: 2025-02-03. Review status: criteria provided, single submitter. Criteria: Invitae Variant Classification Sherloc (09022015). Collection method: clinical testing. Allele origin: germline.
Comment: This sequence change falls in intron 3 of the SPINK5 gene. It does not directly change the encoded amino acid sequence of the SPINK5 protein. It affects a nucleotide within the consensus splice site. This variant is present in population databases (rs750310449, gnomAD 0.004%). This variant has not been reported in the literature in individuals affected with SPINK5-related conditions. ClinVar contains an entry for this variant (Variation ID: 965166). Variants that disrupt the consensus splice site are a relatively common cause of aberrant splicing (PMID: 17576681, 9536098). Algorithms developed to predict the effect of sequence changes on RNA splicing suggest that this variant is not likely to affect RNA splicing. In summary, the available evidence is currently insufficient to determine the role of this variant in disease. Therefore, it has been classified as a Variant of Uncertain Significance.

Literature cited by the submitters: PubMed 17576681; PubMed 9536098.